The following is an entry in ClinVar:

NM_020778.5(ALPK3):c.693del (p.Ala232fs)

Gene: ALPK3 (alpha kinase 3; plus strand). Cytogenetic location: 15q25.3.
Variant type: Deletion.
Coding change: c.693del on transcript NM_020778.5 (MANE Select); coding-DNA position 693, one base deleted (A; older notation c.693delA).
Protein change: p.Ala232fs; shifts the reading frame from alanine 232.
Molecular consequence: frameshift variant.
Genome position (GRCh38, 1-based): chr15:84,839,972, A deleted; the last of 2 consecutive A bases (chr15:84,839,971-84,839,972); deleting either gives the same sequence. VCF-style (leftmost placement, unchanged base first): chr15-84839970-CA-C. GRCh37 (hg19) VCF-style: chr15-85383201-CA-C.
Other names: short protein forms A232fs.
Identifiers: ClinVar variation 5019040 (VCV005019040.2).

ClinVar aggregate classification (germline): Likely pathogenic (1 of 4 stars; one submission).

Conditions:
Cardiomyopathy, familial hypertrophic 27. Identifiers: MedGen C4748014, MONDO:0054838, OMIM 618052.

Submission:

Juno Genomics, Hangzhou Juno Genomics, Inc
Classification: Likely pathogenic for Cardiomyopathy, familial hypertrophic 27. Review status: criteria provided, single submitter. Criteria: ACMG Guidelines, 2015. Collection method: clinical testing. Allele origin: germline.
Comment: Absent from controls (or at extremely low frequency if recessive) in Genome Aggregation Database.;Null variant in a gene where loss of function (LOF) is a known mechanism of disease.